The following is an entry in ClinVar:

ClinVar aggregate classification (germline): Uncertain significance (1 of 4 stars; one submission).

Conditions:
Gastrointestinal stromal tumor. Also called: Gastrointestinal stroma tumor; Gastrointestinal stromal tumor, somatic. Identifiers: Orphanet 44890, MedGen C0238198, MeSH D046152, MONDO:0011719, OMIM 606764, HP:0100723.

Submission:

Labcorp Genetics (formerly Invitae), Labcorp
Classification: Uncertain significance for Gastrointestinal stromal tumor. Last evaluated: 2021-02-17. Review status: criteria provided, single submitter. Criteria: Invitae Variant Classification Sherloc (09022015). Collection method: clinical testing. Allele origin: germline.
Comment: This sequence change replaces glutamine with histidine at codon 397 of the PDGFRA protein (p.Gln397His). The glutamine residue is moderately conserved and there is a small physicochemical difference between glutamine and histidine. In summary, the available evidence is currently insufficient to determine the role of this variant in disease. Therefore, it has been classified as a Variant of Uncertain Significance. Algorithms developed to predict the effect of missense changes on protein structure and function are either unavailable or do not agree on the potential impact of this missense change (SIFT: "Tolerated"; PolyPhen-2: "Possibly Damaging"; Align-GVGD: "Class C0"). This variant has not been reported in the literature in individuals with PDGFRA-related conditions. This variant is not present in population databases (ExAC no frequency).

NM_006206.6(PDGFRA):c.1191A>C (p.Gln397His)

Gene: PDGFRA (platelet derived growth factor receptor alpha; plus strand). Cytogenetic location: 4q12.
Variant type: single nucleotide variant.
Coding change: c.1191A>C on transcript NM_006206.6 (MANE Select); coding-DNA position 1191, A replaced by C.
Protein change: p.Gln397His; replaces glutamine 397 with histidine.
Molecular consequence: missense variant.
Genome position (GRCh38, 1-based): chr4:54,270,702, A>C. VCF-style: chr4-54270702-A-C. GRCh37 (hg19) VCF-style: chr4-55136869-A-C.
Other names: c.1191A>C, p.Gln397His (NM_001347827.2, NM_001347829.2); c.1266A>C, p.Gln422His (NM_001347828.2); c.1230A>C, p.Gln410His (NM_001347830.2); short protein forms Q397H, Q410H, Q422H.
Identifiers: ClinVar variation 1373195 (VCV001373195.8), dbSNP rs2110279943, ClinGen allele CA356892016.